The following is an entry in ClinVar:

NM_144988.4(ALG14):c.609A>G (p.Lys203=)

Gene: ALG14 (ALG14 UDP-N-acetylglucosaminyltransferase subunit; minus strand). Cytogenetic location: 1p21.3.
Variant type: single nucleotide variant.
Coding change: c.609A>G on transcript NM_144988.4 (MANE Select); coding-DNA position 609, A replaced by G.
Protein change: p.Lys203=; no amino-acid change (lysine 203 retained).
Molecular consequence: synonymous variant. On other transcripts: 3 prime UTR variant (1), non-coding transcript variant (1).
Genome position (GRCh38, 1-based): chr1:94,983,118, T>C on the plus strand (A>G on the coding strand, the complement: ALG14 is on the minus strand). VCF-style: chr1-94983118-T-C. GRCh37 (hg19) VCF-style: chr1-95448674-T-C.
Other names: c.*178A>G (NM_001305242.2); c.609A>G (NM_144988.3).
Identifiers: ClinVar variation 1120640 (VCV001120640.20), dbSNP rs200959923, ClinGen allele CA961747.

ClinVar aggregate classification (germline): Likely benign. Review status: criteria provided, multiple submitters, no conflicts (2 of 4 stars). 3 submissions from 3 submitters: Likely benign (2). 1 of the submissions does not count toward it. Last evaluated 2025-05-01.

Conditions:
ALG14-related disorder. Also called: ALG14-related condition.
Congenital myasthenic syndrome 15. Also called: Myasthenic syndrome, congenital, 15, without tubular aggregates. Identifiers: Orphanet 353327, Orphanet 590, MedGen C4015596, MONDO:0014542, OMIM 616227.

Allele frequency attached by ClinVar (database versions not stated): gnomAD 0.00007 and 0.00006; TOPMed 0.00008; ExAC 0.00009; gnomAD exomes 0.00013 and 0.00003; 1000 Genomes Project 30x 0.00016; 1000 Genomes Project 0.00020.
gnomAD v4.1: 57 of 1,614,196 alleles (0.0035%); highest among the groups gnomAD compares: East Asian, 0.11%; no homozygotes.

Submissions (3):

CeGaT Center for Human Genetics Tuebingen
Classification: Likely benign. Last evaluated: 2025-05-01. Review status: criteria provided, single submitter. Criteria: CeGaT Center For Human Genetics Tuebingen Variant Classification Criteria Version 2. Collection method: clinical testing. Allele origin: germline. Affected: yes. Observed: 1 variant allele.
Comment: ALG14: BP4, BP7

Labcorp Genetics (formerly Invitae), Labcorp
Classification: Likely benign for Congenital myasthenic syndrome 15. Last evaluated: 2025-04-11. Review status: criteria provided, single submitter. Criteria: Invitae Variant Classification Sherloc (09022015). Collection method: clinical testing. Allele origin: germline.

PreventionGenetics, part of Exact Sciences
Classification: Likely benign for ALG14-related condition. Last evaluated: 2024-06-14. Review status: no assertion criteria provided. Collection method: clinical testing. Allele origin: germline. Not counted in ClinVar's aggregate classification.
Comment: This variant is classified as likely benign based on ACMG/AMP sequence variant interpretation guidelines (Richards et al. 2015 PMID: 25741868, with internal and published modifications).